The following is an entry in ClinVar:

ClinVar aggregate classification (germline): Pathogenic (1 of 4 stars; one submission).

Submission:

Labcorp Genetics (formerly Invitae), Labcorp
Classification: Pathogenic. Last evaluated: 2023-04-04. Review status: criteria provided, single submitter. Criteria: Invitae Variant Classification Sherloc (09022015). Collection method: clinical testing. Allele origin: unknown.
Comment: For these reasons, this variant has been classified as Pathogenic. This variant disrupts a region of the AQP2 protein in which other variant(s) (p.Pro262Leu) have been determined to be pathogenic (PMID: 9550615, 15509592). This suggests that this is a clinically significant region of the protein, and that variants that disrupt it are likely to be disease-causing. This variant has not been reported in the literature in individuals affected with AQP2-related conditions. This variant is a gross deletion of the genomic region encompassing exon(s) 4 of the AQP2 gene, which includes the termination codon. This deletion extends beyond the assayed region for this gene and therefore may encompass additional genes. While this deletion is not anticipated to lead to nonsense mediated decay, it is expected to alter mRNA translation or result in a truncated protein product.

Literature cited by the submitters: PubMed 9550615; PubMed 15509592.

NC_000012.11:g.(?_50349162)_(50349391_?)del

Gene: AQP2 (aquaporin 2; plus strand). Cytogenetic location: 12q13.12.
Variant type: Deletion.
Identifiers: ClinVar variation 3244352 (VCV003244352.1).